The following is an entry in ClinVar:

NM_021961.6(TEAD1):c.1235G>A (p.Ser412Asn)

Gene: TEAD1 (TEA domain transcription factor 1; plus strand). Cytogenetic location: 11p15.3.
Variant type: single nucleotide variant.
Coding change: c.1235G>A on transcript NM_021961.6 (MANE Select); coding-DNA position 1235, G replaced by A.
Protein change: p.Ser412Asn; replaces serine 412 with asparagine.
Molecular consequence: missense variant.
Genome position (GRCh38, 1-based): chr11:12,937,176, G>A. VCF-style: chr11-12937176-G-A. GRCh37 (hg19) VCF-style: chr11-12958723-G-A.
Other names: short protein forms S412N.
Identifiers: ClinVar variation 4694958 (VCV004694958.1).
Genomic context (GRCh38, chr11:12,937,176, plus strand): 5'-CAAACAGGGATACACAAGAAACTCTACTCTGCATGGCCTGTGTGTTTGAAGTTTCAAATA[G>A]TGAACACGGAGCACAACATCATATTTACAGGCTTGTAAAGGACTGAACATGGTTATTTAT-3'
Protein context (NP_068780.2, residues 402-422): CMACVFEVSN[Ser412Asn]EHGAQHHIYR

ClinVar aggregate classification (germline): Uncertain significance (1 of 4 stars; one submission).

Submission:

Labcorp Genetics (formerly Invitae), Labcorp
Classification: Uncertain significance. Last evaluated: 2025-10-13. Review status: criteria provided, single submitter. Criteria: Invitae Variant Classification Sherloc (09022015). Collection method: clinical testing. Allele origin: germline.
Comment: This sequence change replaces serine, which is neutral and polar, with asparagine, which is neutral and polar, at codon 412 of the TEAD1 protein (p.Ser412Asn). This variant is not present in population databases (gnomAD no frequency). This variant has not been reported in the literature in individuals affected with TEAD1-related conditions. Invitae Evidence Modeling of protein sequence and biophysical properties (such as structural, functional, and spatial information, amino acid conservation, physicochemical variation, residue mobility, and thermodynamic stability) indicates that this missense variant is not expected to disrupt TEAD1 protein function with a negative predictive value of 80%. In summary, the available evidence is currently insufficient to determine the role of this variant in disease. Therefore, it has been classified as a Variant of Uncertain Significance.